The following is an entry in ClinVar:

ClinVar aggregate classification (germline): Uncertain significance (1 of 4 stars; one submission).

Allele frequency attached by ClinVar (database versions not stated): TOPMed below 0.00001; ExAC 0.00002; gnomAD exomes 0.00002.
gnomAD v4.1: 30 of 1,614,126 alleles (0.0019%); highest among the groups gnomAD compares: South Asian, 0.031%; no homozygotes.

Submission:

Labcorp Genetics (formerly Invitae), Labcorp
Classification: Uncertain significance. Last evaluated: 2024-04-03. Review status: criteria provided, single submitter. Criteria: Invitae Variant Classification Sherloc (09022015). Collection method: clinical testing. Allele origin: germline.
Comment: This sequence change replaces asparagine, which is neutral and polar, with serine, which is neutral and polar, at codon 610 of the GHR protein (p.Asn610Ser). This variant is present in population databases (rs771558928, gnomAD 0.01%). This variant has not been reported in the literature in individuals affected with GHR-related conditions. ClinVar contains an entry for this variant (Variation ID: 1958944). Advanced modeling of protein sequence and biophysical properties (such as structural, functional, and spatial information, amino acid conservation, physicochemical variation, residue mobility, and thermodynamic stability) performed at Invitae indicates that this missense variant is not expected to disrupt GHR protein function with a negative predictive value of 80%. In summary, the available evidence is currently insufficient to determine the role of this variant in disease. Therefore, it has been classified as a Variant of Uncertain Significance.

NM_000163.5(GHR):c.1829A>G (p.Asn610Ser)

Gene: GHR (growth hormone receptor; plus strand). Cytogenetic location: 5p12.
Variant type: single nucleotide variant.
Coding change: c.1829A>G on transcript NM_000163.5 (MANE Select); coding-DNA position 1829, A replaced by G.
Protein change: p.Asn610Ser; replaces asparagine 610 with serine.
Molecular consequence: missense variant. On other transcripts: 3 prime UTR variant (1).
Genome position (GRCh38, 1-based): chr5:42,719,336, A>G. VCF-style: chr5-42719336-A-G. GRCh37 (hg19) VCF-style: chr5-42719438-A-G.
Other names: c.1850A>G, p.Asn617Ser (NM_001242399.2); c.1829A>G, p.Asn610Ser (NM_001242400.2, NM_001242401.4, NM_001242402.2 and 4 more transcripts); c.1763A>G, p.Asn588Ser (NM_001242460.2); c.*871A>G (NM_001242462.1); short protein forms N610S, N588S, N617S.
Identifiers: ClinVar variation 1958944 (VCV001958944.4), dbSNP rs771558928, ClinGen allele CA3254717.